The following is an entry in ClinVar:

NM_001040108.2(MLH3):c.4140T>C (p.Leu1380=)

Gene: MLH3 (mutL homolog 3; minus strand). Cytogenetic location: 14q24.3.
Variant type: single nucleotide variant.
Coding change: c.4140T>C on transcript NM_001040108.2 (MANE Select); coding-DNA position 4140, T replaced by C.
Protein change: p.Leu1380=; no amino-acid change (leucine 1380 retained).
Molecular consequence: synonymous variant.
Genome position (GRCh38, 1-based): chr14:75,018,931, A>G on the plus strand (T>C on the coding strand, the complement: MLH3 is on the minus strand). VCF-style: chr14-75018931-A-G. GRCh37 (hg19) VCF-style: chr14-75485634-A-G.
Other names: c.4068T>C, p.Leu1356= (NM_014381.3).
Identifiers: ClinVar variation 1738168 (VCV001738168.3), dbSNP rs2503045026, ClinGen allele CA487175043.

ClinVar aggregate classification (germline): Benign/Likely benign. Review status: criteria provided, multiple submitters, no conflicts (2 of 4 stars). 2 submissions from 2 submitters: Benign (1); Likely benign (1). Last evaluated 2026-05-06.

Conditions:
Colorectal cancer, hereditary nonpolyposis, type 7. Identifiers: Orphanet 144, MedGen C1858380, MONDO:0013725, OMIM 614385.

Submissions (2):

Myriad Genetics, Inc.
Classification: Benign for Colorectal cancer, hereditary nonpolyposis, type 7. Last evaluated: 2026-05-06. Review status: criteria provided, single submitter. Criteria: Myriad Autosomal Dominant, Autosomal Recessive and X-Linked Classification Criteria (2023). Collection method: clinical testing. Allele origin: unknown.
Comment: This variant is considered benign. This variant is a silent/synonymous amino acid change and it is not expected to impact splicing.

Ambry Genetics
Classification: Likely benign. Last evaluated: 2021-12-17. Review status: criteria provided, single submitter. Criteria: Ambry Variant Classification Scheme 2023. Collection method: clinical testing. Allele origin: germline.